The following is an entry in ClinVar:

ClinVar aggregate classification (germline): Uncertain significance. Review status: criteria provided, multiple submitters, no conflicts (2 of 4 stars). 2 submissions from 2 submitters: Uncertain significance (2). Last evaluated 2025-06-19.

Conditions:
Inborn genetic diseases. Identifiers: MedGen C0950123, MeSH D030342.

Allele frequency attached by ClinVar (database versions not stated): TOPMed 0.00003; gnomAD 0.00005.
gnomAD v4.1: 14 of 1,612,380 alleles (0.00087%); highest among the groups gnomAD compares: African/African-American, 0.019%; no homozygotes.

Submissions (2):

Ambry Genetics
Classification: Uncertain significance for Inborn genetic diseases. Last evaluated: 2025-06-19. Review status: criteria provided, single submitter. Criteria: Ambry Variant Classification Scheme 2023. Collection method: clinical testing. Allele origin: germline.

Labcorp Genetics (formerly Invitae), Labcorp
Classification: Uncertain significance. Last evaluated: 2024-05-06. Review status: criteria provided, single submitter. Criteria: Invitae Variant Classification Sherloc (09022015). Collection method: clinical testing. Allele origin: germline.
Comment: This sequence change replaces proline, which is neutral and non-polar, with arginine, which is basic and polar, at codon 490 of the COMP protein (p.Pro490Arg). This variant is present in population databases (no rsID available, gnomAD 0.02%). This variant has not been reported in the literature in individuals affected with COMP-related conditions. ClinVar contains an entry for this variant (Variation ID: 1505995). Advanced modeling of protein sequence and biophysical properties (such as structural, functional, and spatial information, amino acid conservation, physicochemical variation, residue mobility, and thermodynamic stability) performed at Invitae indicates that this missense variant is not expected to disrupt COMP protein function with a negative predictive value of 80%. In summary, the available evidence is currently insufficient to determine the role of this variant in disease. Therefore, it has been classified as a Variant of Uncertain Significance.

NM_000095.3(COMP):c.1469C>G (p.Pro490Arg)

Gene: COMP (cartilage oligomeric matrix protein; minus strand). Cytogenetic location: 19p13.11.
Variant type: single nucleotide variant.
Coding change: c.1469C>G on transcript NM_000095.3 (MANE Select); coding-DNA position 1469, C replaced by G.
Protein change: p.Pro490Arg; replaces proline 490 with arginine.
Molecular consequence: missense variant.
Genome position (GRCh38, 1-based): chr19:18,785,985, G>C on the plus strand (C>G on the coding strand, the complement: COMP is on the minus strand). VCF-style: chr19-18785985-G-C. GRCh37 (hg19) VCF-style: chr19-18896795-G-C.
Other names: c.1469C>G (NM_000095.2); short protein forms P490R.
Identifiers: ClinVar variation 1505995 (VCV001505995.7), dbSNP rs748431274, ClinGen allele CA306255118.